The following is an entry in ClinVar:

NM_002887.4(RARS1):c.1456T>G (p.Leu486Val)

Gene: RARS1 (arginyl-tRNA synthetase 1; plus strand). Cytogenetic location: 5q34.
Variant type: single nucleotide variant.
Coding change: c.1456T>G on transcript NM_002887.4 (MANE Select); coding-DNA position 1456, T replaced by G.
Protein change: p.Leu486Val; replaces leucine 486 with valine.
Molecular consequence: missense variant.
Genome position (GRCh38, 1-based): chr5:168,516,781, T>G. VCF-style: chr5-168516781-T-G. GRCh37 (hg19) VCF-style: chr5-167943786-T-G.
Other names: c.1456T>G (NM_002887.3); short protein forms L486V.
Identifiers: ClinVar variation 1930695 (VCV001930695.6), dbSNP rs1287548738, ClinGen allele CA362084780.
Genomic context (GRCh38, chr5:168,516,781, plus strand): 5'-ACCAGGGCAGAAGCAGCAGTCAGTAAGCTATGAAATACTGTTTTGTTTTTCCCAAAGGTC[T>G]TAACTGCAGAGGAATTGAATGCTGCTCAGACATCCGTTGCGTATGGCTGCATCAAATATG-3'
Protein context (NP_002878.2, residues 476-496): KLKEKERDKV[Leu486Val]TAEELNAAQT

ClinVar aggregate classification (germline): Uncertain significance. Review status: criteria provided, multiple submitters, no conflicts (2 of 4 stars). 2 submissions from 2 submitters: Uncertain significance (2). Last evaluated 2025-02-08.

Conditions:
Inborn genetic diseases. Identifiers: MedGen C0950123, MeSH D030342.

Allele frequency attached by ClinVar (database versions not stated): gnomAD exomes 0.00001; TOPMed 0.00002.
gnomAD v4.1: 9 of 1,614,108 alleles (0.00056%); highest among the groups gnomAD compares: Non-Finnish European, 0.00076%; no homozygotes.

Submissions (2):

Ambry Genetics
Classification: Uncertain significance for Inborn genetic diseases. Last evaluated: 2025-02-08. Review status: criteria provided, single submitter. Criteria: Ambry Variant Classification Scheme 2023. Collection method: clinical testing. Allele origin: germline.

Labcorp Genetics (formerly Invitae), Labcorp
Classification: Uncertain significance. Last evaluated: 2022-01-26. Review status: criteria provided, single submitter. Criteria: Invitae Variant Classification Sherloc (09022015). Collection method: clinical testing. Allele origin: germline.
Comment: Algorithms developed to predict the effect of missense changes on protein structure and function are either unavailable or do not agree on the potential impact of this missense change (SIFT: "Tolerated"; PolyPhen-2: "Probably Damaging"; Align-GVGD: "Class C0"). In summary, the available evidence is currently insufficient to determine the role of this variant in disease. Therefore, it has been classified as a Variant of Uncertain Significance. Algorithms developed to predict the effect of sequence changes on RNA splicing suggest that this variant may create or strengthen a splice site. This variant has not been reported in the literature in individuals affected with RARS-related conditions. This variant is present in population databases (no rsID available, gnomAD 0.004%). This sequence change replaces leucine, which is neutral and non-polar, with valine, which is neutral and non-polar, at codon 486 of the RARS protein (p.Leu486Val).